The following is an entry in ClinVar:

NM_032119.4(ADGRV1):c.2898+59del

Gene: ADGRV1 (adhesion G protein-coupled receptor V1; plus strand). Cytogenetic location: 5q14.3.
Variant type: Deletion.
Coding change: c.2898+59del on transcript NM_032119.4 (MANE Select); 59 bases into the intron after coding-DNA position 2898, one base deleted (T; older notation c.2898+59delT).
Molecular consequence: intron variant.
Genome position (GRCh38, 1-based): chr5:90,644,928, T deleted; the last of 6 consecutive T bases (chr5:90,644,923-90,644,928); deleting any one gives the same sequence. VCF-style (leftmost placement, unchanged base first): chr5-90644922-AT-A. GRCh37 (hg19) VCF-style: chr5-89940739-AT-A.
Identifiers: ClinVar variation 679391 (VCV000679391.1), dbSNP rs35654587, ClinGen allele CA121835174.

ClinVar aggregate classification (germline): Benign (1 of 4 stars; one submission).

Submission:

GeneDx
Classification: Benign. Last evaluated: 2018-06-16. Review status: criteria provided, single submitter. Criteria: GeneDx Variant Classification (06012015). Collection method: clinical testing. Allele origin: germline. Affected: yes.
Comment: This variant is considered likely benign or benign based on one or more of the following criteria: it is a conservative change, it occurs at a poorly conserved position in the protein, it is predicted to be benign by multiple in silico algorithms, and/or has population frequency not consistent with disease.